The following is an entry in ClinVar:

ClinVar aggregate classification (germline): Uncertain significance. Review status: criteria provided, multiple submitters, no conflicts (2 of 4 stars). 3 submissions from 3 submitters: Uncertain significance (3). Last evaluated 2026-01-11.

Conditions:
Hereditary cancer-predisposing syndrome. Also called: Neoplastic Syndromes, Hereditary; Hereditary neoplastic syndrome; Tumor predisposition; Hereditary Cancer Syndrome. Identifiers: Orphanet 140162, MedGen C0027672, MeSH D009386, MONDO:0015356.
POLD1-related polyposis and colorectal cancer syndrome (CRCS10). Also called: Colorectal cancer 10; COLORECTAL CANCER, SUSCEPTIBILITY TO, ON CHROMOSOME 19q; Colorectal cancer, susceptibility to, 10. Identifiers: Orphanet 220460, MedGen C2675481, MONDO:0012953, OMIM 612591.

Allele frequency attached by ClinVar (database versions not stated): gnomAD exomes below 0.00001 and 0.00001; ExAC 0.00001; gnomAD 0.00001; TOPMed 0.00001.
gnomAD v4.1: 9 of 1,610,764 alleles (0.00056%); highest among the groups gnomAD compares: Non-Finnish European, 0.00076%; no homozygotes.

Submissions (3):

Labcorp Genetics (formerly Invitae), Labcorp
Classification: Uncertain significance for POLD1-related polyposis and colorectal cancer syndrome. Last evaluated: 2026-01-11. Review status: criteria provided, single submitter. Criteria: Invitae Variant Classification Sherloc (09022015). Collection method: clinical testing. Allele origin: germline.
Comment: This sequence change replaces phenylalanine, which is neutral and non-polar, with leucine, which is neutral and non-polar, at codon 1099 of the POLD1 protein (p.Phe1099Leu). The frequency data for this variant in the population databases is considered unreliable, as metrics indicate poor data quality at this position in the gnomAD database. This variant has not been reported in the literature in individuals affected with POLD1-related conditions. ClinVar contains an entry for this variant (Variation ID: 469339). Invitae Evidence Modeling of protein sequence and biophysical properties (such as structural, functional, and spatial information, amino acid conservation, physicochemical variation, residue mobility, and thermodynamic stability) indicates that this missense variant is not expected to disrupt POLD1 protein function with a negative predictive value of 80%. In summary, the available evidence is currently insufficient to determine the role of this variant in disease. Therefore, it has been classified as a Variant of Uncertain Significance.

Ambry Genetics
Classification: Uncertain significance for Hereditary cancer-predisposing syndrome. Last evaluated: 2025-01-19. Review status: criteria provided, single submitter. Criteria: Ambry Variant Classification Scheme 2023. Collection method: clinical testing. Allele origin: germline.
Comment: The p.F1099L variant (also known as c.3295T>C), located in coding exon 26 of the POLD1 gene, results from a T to C substitution at nucleotide position 3295. The phenylalanine at codon 1099 is replaced by leucine, an amino acid with highly similar properties. This amino acid position is well conserved in available vertebrate species. In addition, this alteration is predicted to be tolerated by in silico analysis. Based on the available evidence, the clinical significance of this variant remains unclear.

GeneDx
Classification: Uncertain significance. Last evaluated: 2024-07-29. Review status: criteria provided, single submitter. Criteria: GeneDx Variant Classification Process June 2021. Collection method: clinical testing. Allele origin: germline. Affected: yes.
Comment: Not observed at significant frequency in large population cohorts (gnomAD); In silico analysis supports that this missense variant has a deleterious effect on protein structure/function; Has not been previously published as pathogenic or benign to our knowledge

NM_002691.4(POLD1):c.3295T>C (p.Phe1099Leu)

Gene: POLD1 (DNA polymerase delta 1, catalytic subunit; plus strand). Cytogenetic location: 19q13.33.
Variant type: single nucleotide variant.
Coding change: c.3295T>C on transcript NM_002691.4 (MANE Select); coding-DNA position 3295, T replaced by C.
Protein change: p.Phe1099Leu; replaces phenylalanine 1099 with leucine.
Molecular consequence: missense variant. On other transcripts: non-coding transcript variant (1).
Genome position (GRCh38, 1-based): chr19:50,417,918, T>C. VCF-style: chr19-50417918-T-C. GRCh37 (hg19) VCF-style: chr19-50921175-T-C.
Other names: c.3295T>C, p.Phe1099Leu (NM_001256849.1); c.3373T>C, p.Phe1125Leu (NM_001308632.1); c.3295T>C (NM_002691.2); short protein forms F1099L, F1125L.
Identifiers: ClinVar variation 469339 (VCV000469339.9), dbSNP rs756287064, ClinGen allele CA9596840.